The following is an entry in ClinVar:

ClinVar aggregate classification (germline): Uncertain significance (1 of 4 stars; one submission).

Submission:

GeneDx
Classification: Uncertain significance. Last evaluated: 2026-03-18. Review status: criteria provided, single submitter. Criteria: GeneDx Variant Classification Process June 2021. Collection method: clinical testing. Allele origin: germline.
Comment: Not observed at significant frequency in large population cohorts (gnomAD); In silico analysis supports that this missense variant has a deleterious effect on protein structure/function; Has not been previously published as pathogenic or benign to our knowledge

NM_170606.3(KMT2C):c.676G>A (p.Asp226Asn)

Gene: KMT2C (lysine methyltransferase 2C; minus strand). Cytogenetic location: 7q36.1.
Variant type: single nucleotide variant.
Coding change: c.676G>A on transcript NM_170606.3 (MANE Select); coding-DNA position 676, G replaced by A.
Protein change: p.Asp226Asn; replaces aspartic acid 226 with asparagine.
Molecular consequence: missense variant.
Genome position (GRCh38, 1-based): chr7:152,311,861, C>T on the plus strand (G>A on the coding strand, the complement: KMT2C is on the minus strand). VCF-style: chr7-152311861-C-T. GRCh37 (hg19) VCF-style: chr7-152008946-C-T.
Other names: short protein forms D226N.
Identifiers: ClinVar variation 5009438 (VCV005009438.1).
Genomic context (GRCh38, chr7:152,311,861, plus strand): 5'-TAGAATCAAATAAGGCTTGGATATCAATGGCATCTGGAAGCCCAACCAGACTGAGTTCAT[C>T]CCACAGTTTACCAGCTTGATCATCTGAAGCTGTCTGGGTGCTTACACTTACACAAGATAC-3'
Protein context (NP_733751.2, residues 216-236): ASDDQAGKLW[Asp226Asn]ELSLVGLPDA